The following is an entry in ClinVar:

NM_000388.4(CASR):c.2295C>G (p.Cys765Trp)

Gene: CASR (calcium sensing receptor; plus strand). Cytogenetic location: 3q21.1.
Variant type: single nucleotide variant.
Coding change: c.2295C>G on transcript NM_000388.4 (MANE Select); coding-DNA position 2295, C replaced by G.
Protein change: p.Cys765Trp; replaces cysteine 765 with tryptophan.
Molecular consequence: missense variant.
Genome position (GRCh38, 1-based): chr3:122,284,249, C>G. VCF-style: chr3-122284249-C-G. GRCh37 (hg19) VCF-style: chr3-122003096-C-G.
Other names: c.2325C>G, p.Cys775Trp (NM_001178065.2); short protein forms C765W, C775W.
Identifiers: ClinVar variation 1098780 (VCV001098780.1), dbSNP rs1232096655, ClinGen allele CA354159369.
Genomic context (GRCh38, chr3:122,284,249, plus strand): 5'-CGCGCCCCCGTCAAGCTACCGCAACCAGGAGCTGGAGGATGAGATCATCTTCATCACGTG[C>G]CACGAGGGCTCCCTCATGGCCCTGGGCTTCCTGATCGGCTACACCTGCCTGCTGGCTGCC-3'
Protein context (NP_000379.3, residues 755-775): ELEDEIIFIT[Cys765Trp]HEGSLMALGF

ClinVar aggregate classification (germline): Uncertain significance (1 of 4 stars; one submission).

Submission:

Women's Health and Genetics/Laboratory Corporation of America, LabCorp
Classification: Uncertain significance. Last evaluated: 2021-04-22. Review status: criteria provided, single submitter. Criteria: LabCorp Variant Classification Summary - May 2015. Collection method: clinical testing. Allele origin: germline.
Comment: Variant summary: CASR c.2295C>G (p.Cys765Trp) results in a non-conservative amino acid change located in the GPCR family 3, C-terminal domain (IPR017978) of the encoded protein sequence. Five of five in-silico tools predict a damaging effect of the variant on protein function. The variant was absent in 250970 control chromosomes. The available data on variant occurrences in the general population are insufficient to allow any conclusion about variant significance. c.2295C>G has been reported in the literature in at-least one individual affected with Familial Hypocalciuric Hypercalcemia and a family history of hypercalcemia (Cetani_2009). These data do not allow any conclusion about variant significance. At least one publication reports experimental evidence evaluating an impact on protein function. The most pronounced variant effect results in approximately 61% of normal maximal activation of the wild-type CASR activity as measured by intracellular calcium ion measurement in an in-vitro system (Cetani_2009). Additionally, normal trafficking from endoplasmic reticulum to the cell surface was observed. No clinical diagnostic laboratories have submitted clinical-significance assessments for this variant to ClinVar after 2014. Based on the evidence outlined above, the variant was classified as uncertain significance.

Literature cited by the submitters: PubMed 19073830; PubMed 21667241.